The following is an entry in ClinVar:

ClinVar aggregate classification (germline): Uncertain significance (1 of 4 stars; one submission).

Conditions:
Epidermolysis bullosa simplex with nail dystrophy (EBS5D). Identifiers: MedGen C4225309, MONDO:0014661, OMIM 616487.
Epidermolysis bullosa simplex, Ogna type (EBS5A). Also called: EPIDERMOLYSIS BULLOSA SIMPLEX 5A, OGNA TYPE; Pidermolysis bullosa simplex 5A, Ogna type. Identifiers: Orphanet 79401, MedGen C0432317, MONDO:0007555, OMIM 131950.
Autosomal recessive limb-girdle muscular dystrophy type 2Q (LGMDR17). Also called: MUSCULAR DYSTROPHY, LIMB-GIRDLE, AUTOSOMAL RECESSIVE 17. Identifiers: Orphanet 254361, MedGen C3150989, MONDO:0013390, OMIM 613723.
Epidermolysis bullosa simplex 5B, with muscular dystrophy (EBS5B). Also called: EPIDERMOLYSIS BULLOSA SIMPLEX AND LIMB-GIRDLE MUSCULAR DYSTROPHY; Epidermolysis bullosa simplex with muscular dystrophy. Identifiers: Orphanet 257, MedGen C2931072, MONDO:0009181, OMIM 226670.
Epidermolysis bullosa simplex 5C, with pyloric atresia (EBS5C). Also called: PLEC1-Related Epidermolysis Bullosa with Pyloric Atresia; PLEC-Related Epidermolysis Bullosa with Pyloric Atresia; Epidermolysis bullosa simplex with pyloric atresia. Identifiers: Orphanet 158684, MedGen C2677349, MONDO:0012807, OMIM 612138.

gnomAD v4.1: 5 of 1,613,532 alleles (0.00031%); highest among the groups gnomAD compares: South Asian, 0.0011%; no homozygotes.

Submission:

Labcorp Genetics (formerly Invitae), Labcorp
Classification: Uncertain significance for Autosomal recessive limb-girdle muscular dystrophy type 2Q; Epidermolysis bullosa simplex, Ogna type; Epidermolysis bullosa simplex with nail dystrophy; Epidermolysis bullosa simplex 5C, with pyloric atresia; Epidermolysis bullosa simplex 5B, with muscular dystrophy. Last evaluated: 2024-08-08. Review status: criteria provided, single submitter. Criteria: Invitae Variant Classification Sherloc (09022015). Collection method: clinical testing. Allele origin: germline.
Comment: This sequence change replaces aspartic acid, which is acidic and polar, with asparagine, which is neutral and polar, at codon 4081 of the PLEC protein (p.Asp4081Asn). This variant is not present in population databases (gnomAD no frequency). This variant has not been reported in the literature in individuals affected with PLEC-related conditions. Advanced modeling of protein sequence and biophysical properties (such as structural, functional, and spatial information, amino acid conservation, physicochemical variation, residue mobility, and thermodynamic stability) has been performed at Invitae for this missense variant, however the output from this modeling did not meet the statistical confidence thresholds required to predict the impact of this variant on PLEC protein function. In summary, the available evidence is currently insufficient to determine the role of this variant in disease. Therefore, it has been classified as a Variant of Uncertain Significance.

NM_201384.3(PLEC):c.12160G>A (p.Asp4054Asn)

Gene: PLEC (plectin; minus strand). Cytogenetic location: 8q24.3.
Variant type: single nucleotide variant.
Coding change: c.12160G>A on transcript NM_201384.3 (MANE Select); coding-DNA position 12160, G replaced by A.
Protein change: p.Asp4054Asn; replaces aspartic acid 4054 with asparagine.
Molecular consequence: missense variant.
Genome position (GRCh38, 1-based): chr8:143,917,661, C>T on the plus strand (G>A on the coding strand, the complement: PLEC is on the minus strand). VCF-style: chr8-143917661-C-T. GRCh37 (hg19) VCF-style: chr8-144991829-C-T.
Other names: c.12241G>A, p.Asp4081Asn (NM_000445.5); c.8860G>A, p.Asp2954Asn (NM_001410941.1); c.12118G>A, p.Asp4040Asn (NM_201378.4); c.12094G>A, p.Asp4032Asn (NM_201379.3); c.12571G>A, p.Asp4191Asn (NM_201380.4); c.12064G>A, p.Asp4022Asn (NM_201381.3); c.12160G>A, p.Asp4054Asn (NM_201382.4); c.12172G>A, p.Asp4058Asn (NM_201383.3); short protein forms D2954N, D4022N, D4032N, D4040N, D4054N, D4058N, D4081N, D4191N.
Identifiers: ClinVar variation 3758626 (VCV003758626.2).